The following is an entry in ClinVar:

NM_001024845.3(SLC6A9):c.528C>T (p.Ser176=)

Gene: SLC6A9 (solute carrier family 6 member 9; minus strand). Cytogenetic location: 1p34.1.
Variant type: single nucleotide variant.
Coding change: c.528C>T on transcript NM_001024845.3 (MANE Select); coding-DNA position 528, C replaced by T.
Protein change: p.Ser176=; no amino-acid change (serine 176 retained).
Molecular consequence: synonymous variant. On other transcripts: non-coding transcript variant (1).
Genome position (GRCh38, 1-based): chr1:44,008,415, G>A on the plus strand (C>T on the coding strand, the complement: SLC6A9 is on the minus strand). VCF-style: chr1-44008415-G-A. GRCh37 (hg19) VCF-style: chr1-44474087-G-A.
Other names: c.540C>T, p.Ser180= (NM_001261380.2); c.195C>T, p.Ser65= (NM_001328626.2, NM_001328630.2); c.465C>T, p.Ser155= (NM_001328627.1); c.333C>T, p.Ser111= (NM_001328628.1); c.528C>T, p.Ser176= (NM_001328629.1); c.585C>T, p.Ser195= (NM_006934.4); c.747C>T, p.Ser249= (NM_201649.4).
Identifiers: ClinVar variation 784655 (VCV000784655.46), dbSNP rs139332952, ClinGen allele CA817777.

ClinVar aggregate classification (germline): Likely benign. Review status: criteria provided, multiple submitters, no conflicts (2 of 4 stars). 5 submissions from 5 submitters: Likely benign (4). 1 of the submissions does not count toward it. Last evaluated 2026-01-12.

Conditions:
Atypical glycine encephalopathy. Also called: Glycine encephalopathy with normal serum glycine. Identifiers: Orphanet 289863, MedGen C4310943, MONDO:0015010, OMIM 617301.
SLC6A9-related disorder. Also called: SLC6A9-related condition.

Allele frequency attached by ClinVar (database versions not stated): ExAC 0.00064; gnomAD 0.00064; ESP Exome Variant Server 0.00077; TOPMed 0.00083; 1000 Genomes Project 0.00100; 1000 Genomes Project 30x 0.00109.

Submissions (5):

Labcorp Genetics (formerly Invitae), Labcorp
Classification: Likely benign for Atypical glycine encephalopathy. Last evaluated: 2026-01-12. Review status: criteria provided, single submitter. Criteria: Invitae Variant Classification Sherloc (09022015). Collection method: clinical testing. Allele origin: germline.

Women's Health and Genetics/Laboratory Corporation of America, LabCorp
Classification: Likely benign. Last evaluated: 2025-05-20. Review status: criteria provided, single submitter. Criteria: LabCorp Variant Classification Summary - May 2015. Collection method: clinical testing. Allele origin: germline.

Blueprint Genetics
Classification: Likely benign. Last evaluated: 2024-10-07. Review status: criteria provided, single submitter. Criteria: ACMG Guidelines, 2015. Collection method: clinical testing. Allele origin: germline.

CeGaT Center for Human Genetics Tuebingen
Classification: Likely benign. Last evaluated: 2023-04-01. Review status: criteria provided, single submitter. Criteria: CeGaT Center For Human Genetics Tuebingen Variant Classification Criteria Version 2. Collection method: clinical testing. Allele origin: germline. Affected: yes. Observed: 2 variant alleles.
Comment: SLC6A9: BP4, BP7

PreventionGenetics, part of Exact Sciences
Classification: Likely benign for SLC6A9-related condition. Last evaluated: 2019-06-21. Review status: no assertion criteria provided. Collection method: clinical testing. Allele origin: germline. Not counted in ClinVar's aggregate classification.
Comment: This variant is classified as likely benign based on ACMG/AMP sequence variant interpretation guidelines (Richards et al. 2015 PMID: 25741868, with internal and published modifications).